The following is an entry in ClinVar:

NM_015215.4(CAMTA1):c.2602G>A (p.Gly868Arg)

Gene: CAMTA1 (calmodulin binding transcription activator 1; plus strand). Cytogenetic location: 1p36.23.
Variant type: single nucleotide variant.
Coding change: c.2602G>A on transcript NM_015215.4 (MANE Select); coding-DNA position 2602, G replaced by A.
Protein change: p.Gly868Arg; replaces glycine 868 with arginine.
Molecular consequence: missense variant.
Genome position (GRCh38, 1-based): chr1:7,665,149, G>A. VCF-style: chr1-7665149-G-A. GRCh37 (hg19) VCF-style: chr1-7725209-G-A.
Other names: c.2530G>A, p.Gly844Arg (NM_001410738.1); c.2512G>A, p.Gly838Arg (NM_001349608.2, NM_001349612.2); c.2602G>A, p.Gly868Arg (NM_001349609.2, NM_001349610.2, NM_001410737.1); short protein forms G844R, G838R, G868R.
Identifiers: ClinVar variation 3665990 (VCV003665990.2).

ClinVar aggregate classification (germline): Uncertain significance (1 of 4 stars; one submission).

gnomAD v4.1: 29 of 1,504,562 alleles (0.0019%); highest among the groups gnomAD compares: South Asian, 0.026%; no homozygotes.

Submission:

Labcorp Genetics (formerly Invitae), Labcorp
Classification: Uncertain significance. Last evaluated: 2025-01-20. Review status: criteria provided, single submitter. Criteria: Invitae Variant Classification Sherloc (09022015). Collection method: clinical testing. Allele origin: germline.
Comment: This sequence change replaces glycine, which is neutral and non-polar, with arginine, which is basic and polar, at codon 868 of the CAMTA1 protein (p.Gly868Arg). This variant is present in population databases (rs770924661, gnomAD 0.04%). This variant has not been reported in the literature in individuals affected with CAMTA1-related conditions. Invitae Evidence Modeling of protein sequence and biophysical properties (such as structural, functional, and spatial information, amino acid conservation, physicochemical variation, residue mobility, and thermodynamic stability) indicates that this missense variant is not expected to disrupt CAMTA1 protein function with a negative predictive value of 80%. In summary, the available evidence is currently insufficient to determine the role of this variant in disease. Therefore, it has been classified as a Variant of Uncertain Significance.